The following is an entry in ClinVar:

NM_017612.5(ZCCHC8):c.1933C>T (p.Pro645Ser)

Gene: ZCCHC8 (zinc finger CCHC-type containing 8; minus strand). Cytogenetic location: 12q24.31.
Variant type: single nucleotide variant.
Coding change: c.1933C>T on transcript NM_017612.5 (MANE Select); coding-DNA position 1933, C replaced by T.
Protein change: p.Pro645Ser; replaces proline 645 with serine.
Molecular consequence: missense variant.
Genome position (GRCh38, 1-based): chr12:122,473,688, G>A on the plus strand (C>T on the coding strand, the complement: ZCCHC8 is on the minus strand). VCF-style: chr12-122473688-G-A. GRCh37 (hg19) VCF-style: chr12-122958235-G-A.
Other names: c.1702C>T, p.Pro568Ser (NM_001350935.2); c.1636C>T, p.Pro546Ser (NM_001350936.2); c.1219C>T, p.Pro407Ser (NM_001350937.2, NM_001350938.2); short protein forms P546S, P407S, P568S, P645S.
Identifiers: ClinVar variation 1512049 (VCV001512049.8), dbSNP rs1957357558, ClinGen allele CA387047347.

ClinVar aggregate classification (germline): Uncertain significance (1 of 4 stars; one submission).

Allele frequency attached by ClinVar (database versions not stated): gnomAD exomes below 0.00001; TOPMed below 0.00001.
gnomAD v4.1: 1 of 1,614,010 alleles (0.000062%); highest among the groups gnomAD compares: Non-Finnish European, 0.000085%; no homozygotes.

Submission:

Labcorp Genetics (formerly Invitae), Labcorp
Classification: Uncertain significance. Last evaluated: 2022-06-20. Review status: criteria provided, single submitter. Criteria: Invitae Variant Classification Sherloc (09022015). Collection method: clinical testing. Allele origin: germline.
Comment: This sequence change replaces proline, which is neutral and non-polar, with serine, which is neutral and polar, at codon 645 of the ZCCHC8 protein (p.Pro645Ser). In summary, the available evidence is currently insufficient to determine the role of this variant in disease. Therefore, it has been classified as a Variant of Uncertain Significance. Algorithms developed to predict the effect of missense changes on protein structure and function are either unavailable or do not agree on the potential impact of this missense change (SIFT: "Tolerated"; PolyPhen-2: "Not Available"; Align-GVGD: "Class C0"). This variant has not been reported in the literature in individuals affected with ZCCHC8-related conditions. This variant is not present in population databases (gnomAD no frequency).